The following is an entry in ClinVar:

NM_000260.4(MYO7A):c.1344-2A>G

Gene: MYO7A (myosin VIIA; plus strand). Cytogenetic location: 11q13.5.
Variant type: single nucleotide variant.
Coding change: c.1344-2A>G on transcript NM_000260.4 (MANE Select); the canonical splice acceptor site of the intron before coding-DNA position 1344, A replaced by G.
Molecular consequence: splice acceptor variant.
Genome position (GRCh38, 1-based): chr11:77,162,118, A>G. VCF-style: chr11-77162118-A-G. GRCh37 (hg19) VCF-style: chr11-76873164-A-G.
Other names: c.1311-2A>G (NM_001369365.1); c.1344-2A>G (NM_001127180.2).
Identifiers: ClinVar variation 43143 (VCV000043143.40), dbSNP rs111033415, ClinGen allele CA278623.
Genomic context (GRCh38, chr11:77,162,118, plus strand): 5'-AGGCCCTGAACAGCATGGTGGGGCCTGAACAACACCCTTACCCCATCCCTGTGCCCCTGC[A>G]GCTTTGAGCAGCTCTGCATCAACTTCGCCAATGAGCACCTGCAGCAGTTCTTTGTGCGGC-3'

ClinVar aggregate classification (germline): Pathogenic. Review status: criteria provided, multiple submitters, no conflicts (2 of 4 stars). 8 submissions from 8 submitters: Pathogenic (7). 1 of the submissions does not count toward it. Last evaluated 2025-10-10.

Conditions:
MYO7A-related disorder. Also called: MYO7A-related disorders.
Autosomal recessive nonsyndromic hearing loss 2. Also called: DEAFNESS, AUTOSOMAL RECESSIVE 2; NEUROSENSORY NONSYNDROMIC RECESSIVE DEAFNESS 2. Identifiers: Orphanet 90636, MedGen C1838701, MONDO:0010807, OMIM 600060.
Usher syndrome type 1 (USH1). Also called: RETINITIS PIGMENTOSA AND CONGENITAL DEAFNESS. Identifiers: Orphanet 231169, Orphanet 886, MedGen C1568247, MONDO:0010168, OMIM 276900.
Rare genetic deafness. Identifiers: Orphanet 96210, MedGen C5680250.
Nonsyndromic genetic hearing loss. Also called: Non-syndromic genetic deafness; Nonsyndromic hearing loss and deafness; Nonsyndromic genetic deafness. Identifiers: Orphanet 87884, MedGen C5680182, MONDO:0019497.
Usher syndrome type 1B (USH1B). Also called: Usher syndrome type IB. Identifiers: MedGen C1848638, MONDO:0700087.
Ear malformation. Also called: Abnormality of the ear; CUP EAR. Identifiers: MedGen C0266589, MONDO:0007500, OMIM 128600, HP:0000598.

Allele frequency attached by ClinVar (database versions not stated): gnomAD exomes below 0.00001.
gnomAD v4.1: 2 of 1,595,422 alleles (0.00013%); highest among the groups gnomAD compares: Non-Finnish European, 0.00017%; no homozygotes.

Submissions (8):

Natera, Inc.
Classification: Pathogenic for Usher syndrome type 1B. Last evaluated: 2025-10-10. Review status: criteria provided, single submitter. Criteria: Natera Variant Classification Schema (03/2026). Collection method: clinical testing. Allele origin: germline.
Comment: The c.1344-2A>G variant in MYO7A is a canonical splice acceptor site variant predicted to affect pre-mRNA splicing, which may result in an abnormal transcript and altered protein product. This variant is expected to result in nonsense mediated decay, truncation, or a dysfunctional protein product. This variant is rare in the general population with a frequency below the threshold expected for the associated phenotype(s). This variant has been observed in one or more individuals affected with the associated recessive disease, as either homozygous or compound heterozygous with a second variant (PMID: 27460420, 15823922). Given the available evidence, this variant is classified as Pathogenic.

Labcorp Genetics (formerly Invitae), Labcorp
Classification: Pathogenic. Last evaluated: 2023-11-25. Review status: criteria provided, single submitter. Criteria: Invitae Variant Classification Sherloc (09022015). Collection method: clinical testing. Allele origin: germline.
Comment: This sequence change affects an acceptor splice site in intron 12 of the MYO7A gene. It is expected to disrupt RNA splicing. Variants that disrupt the donor or acceptor splice site typically lead to a loss of protein function (PMID: 16199547), and loss-of-function variants in MYO7A are known to be pathogenic (PMID: 8900236, 25404053). This variant is not present in population databases (gnomAD no frequency). Disruption of this splice site has been observed in individuals with autosomal recessive deafness and/or autosomal recessive Usher syndrome (PMID: 15823922, 26445815, 27460420). This variant is also known as c.1244-2A>G. ClinVar contains an entry for this variant (Variation ID: 43143). Algorithms developed to predict the effect of sequence changes on RNA splicing suggest that this variant may disrupt the consensus splice site. For these reasons, this variant has been classified as Pathogenic.

GeneDx
Classification: Pathogenic. Last evaluated: 2022-06-17. Review status: criteria provided, single submitter. Criteria: GeneDx Variant Classification Process June 2021. Collection method: clinical testing. Allele origin: germline. Affected: yes.
Comment: Canonical splice site variant predicted to result in a null allele in a gene for which loss of function is a known mechanism of disease; Not observed at significant frequency in large population cohorts (gnomAD); This variant is associated with the following publications: (PMID: 15823922, 31479088)

INGEBI, INGEBI / CONICET
Classification: Pathogenic for Nonsyndromic genetic hearing loss. Last evaluated: 2021-07-15. Review status: criteria provided, single submitter. Criteria: ClinGen HL ACMG Specifications v1. Collection method: clinical testing. Allele origin: germline. Inheritance: Autosomal recessive inheritance. Affected: yes. Observed: 1 variant allele, 1 compound heterozygote.
Comment: Based on ACMG/AMP guidelines and Hearing Loss Expert Panel specific criteria:The c.1344-2 A>G variant in MYO7A gene is absent from population databases meeting PM2. This type of variant is predicted to generate a lost of the aceptor splicing site in MYO7A gene affecting gene MYO7A, which is a known mechanism of disease, PVS1. The c.1344-2 A>G has been identified in trans with a pathogenic variant in an Ushers patient with altered balance (PMID:15823922). Besides, it was identified in homocygous state in two different families (one with severe-profound non-syndrmic hearing loss and the other with Usher Syndromce) and an sporadic case with Usher Syndrome; PMID: 26445815, 27460420.); PP4. PM3_S. Taking into account all the information together: PM2, PVS1, PM3_S, PP4 the variant is classified as Pathogenics for non-syndromic hearing loss and Usher Syndrome.

Kariminejad - Najmabadi Pathology & Genetics Center
Classification: Pathogenic for Ear malformation. Last evaluated: 2021-07-10. Review status: criteria provided, single submitter. Criteria: ACMG Guidelines, 2015. Collection method: clinical testing. Allele origin: germline. Affected: yes.

Blueprint Genetics
Classification: Pathogenic for MYO7A-related disorders. Last evaluated: 2019-07-25. Review status: criteria provided, single submitter. Criteria: ACMG Guidelines, 2015. Collection method: clinical testing. Allele origin: germline. Affected: yes. Observed: 2 variant alleles.

Laboratory for Molecular Medicine, Mass General Brigham Personalized Medicine
Classification: Pathogenic for Rare genetic deafness. Last evaluated: 2017-09-12. Review status: criteria provided, single submitter. Criteria: LMM Criteria. Collection method: clinical testing. Allele origin: germline. Inheritance: Autosomal recessive inheritance. Observed: 9 variant alleles.
Comment: The c.1344-2A>G variant in MYO7A has been reported in four individuals with Ushe r syndrome (Maubaret 2005, LMM data). One of them was homozygous for the variant and three other individuals were compound heterozygous with a second pathogenic MYO7A variant. This variant has not been identified in large population studies . In addition, this variant occurs in the invariant region (+/- 1/2) of the spli ce consensus sequence and is predicted to cause altered splicing leading to an a bnormal or absent protein. In summary, this variant meets criteria to be classif ied as pathogenic for Usher syndrome in an autosomal recessive manner.

Counsyl
Classification: Pathogenic for Usher syndrome type 1; Autosomal recessive nonsyndromic hearing loss 2. Last evaluated: 2017-02-08. Review status: no assertion criteria provided. Collection method: clinical testing. Allele origin: unknown. Not counted in ClinVar's aggregate classification.

Literature cited by the submitters: PubMed 27460420 (cited by 4 submitters); PubMed 15823922 (cited by 5 submitters); PubMed 16199547 (cited by Labcorp Genetics (formerly Invitae), Labcorp); PubMed 8900236 (cited by Labcorp Genetics (formerly Invitae), Labcorp); PubMed 25404053 (cited by Labcorp Genetics (formerly Invitae), Labcorp); PubMed 26445815 (cited by 3 submitters).